The following is an entry in ClinVar:

NM_000179.3(MSH6):c.855T>C (p.Ser285=)

Gene: MSH6 (mutS homolog 6; plus strand). Cytogenetic location: 2p16.3.
Variant type: single nucleotide variant.
Coding change: c.855T>C on transcript NM_000179.3 (MANE Select); coding-DNA position 855, T replaced by C.
Protein change: p.Ser285=; no amino-acid change (serine 285 retained).
Molecular consequence: synonymous variant. On other transcripts: 5 prime UTR variant (9), non-coding transcript variant (4), intron variant (1).
Genome position (GRCh38, 1-based): chr2:47,798,838, T>C. VCF-style: chr2-47798838-T-C. GRCh37 (hg19) VCF-style: chr2-48025977-T-C.
Other names: c.465T>C, p.Ser155= (NM_001281492.2); c.-52T>C (NM_001281493.2, NM_001281494.2, NM_001406811.1 and 6 more transcripts); c.951T>C, p.Ser317= (NM_001406795.1, NM_001406802.1); c.855T>C, p.Ser285= (NM_001406796.1, NM_001406798.1, NM_001406800.1 and 4 more transcripts); c.558T>C, p.Ser186= (NM_001406797.1, NM_001406801.1, NM_001406805.1 and 10 more transcripts); c.330T>C, p.Ser110= (NM_001406799.1, NM_001406806.1, NM_001406807.1); c.777T>C, p.Ser259= (NM_001406804.1); c.861T>C, p.Ser287= (NM_001406813.1); and 2 more.
Identifiers: ClinVar variation 2140944 (VCV002140944.14), dbSNP rs2104301892, ClinGen allele CA426120931.

ClinVar aggregate classification (germline): Benign/Likely benign. Review status: criteria provided, multiple submitters, no conflicts (2 of 4 stars). 4 submissions from 4 submitters: Benign (1); Likely benign (3). Last evaluated 2025-08-01.

Conditions:
Hereditary nonpolyposis colorectal neoplasms. Identifiers: MedGen C0009405, MeSH D003123.
Hereditary cancer-predisposing syndrome. Also called: Hereditary Cancer Syndrome; Neoplastic Syndromes, Hereditary; Hereditary neoplastic syndrome; Tumor predisposition. Identifiers: Orphanet 140162, MedGen C0027672, MeSH D009386, MONDO:0015356.
Lynch syndrome 5 (LYNCH5). Also called: Colorectal cancer, hereditary nonpolyposis, type 5; Hereditary non-polyposis colorectal cancer, type 5. Identifiers: Orphanet 144, MedGen C1833477, MONDO:0013710, OMIM 614350. Disease mechanism: loss of function.

Submissions (4):

CeGaT Center for Human Genetics Tuebingen
Classification: Likely benign. Last evaluated: 2025-08-01. Review status: criteria provided, single submitter. Criteria: CeGaT Center For Human Genetics Tuebingen Variant Classification Criteria Version 2. Collection method: clinical testing. Allele origin: germline. Affected: yes. Observed: 1 variant allele.
Comment: MSH6: PM2:Supporting, BP4, BP7

Myriad Genetics, Inc.
Classification: Benign for Lynch syndrome 5. Last evaluated: 2024-12-20. Review status: criteria provided, single submitter. Criteria: Myriad Autosomal Dominant, Autosomal Recessive and X-Linked Classification Criteria (2023). Collection method: clinical testing. Allele origin: unknown.
Comment: This variant is considered benign. This variant is a silent/synonymous amino acid change and it is not expected to impact splicing.

Ambry Genetics
Classification: Likely benign for Hereditary cancer-predisposing syndrome. Last evaluated: 2024-10-29. Review status: criteria provided, single submitter. Criteria: Ambry Variant Classification Scheme 2023. Collection method: clinical testing. Allele origin: germline.

Labcorp Genetics (formerly Invitae), Labcorp
Classification: Likely benign for Hereditary nonpolyposis colorectal neoplasms. Last evaluated: 2022-04-19. Review status: criteria provided, single submitter. Criteria: Invitae Variant Classification Sherloc (09022015). Collection method: clinical testing. Allele origin: germline.